The following is an entry in ClinVar:

NM_138694.4(PKHD1):c.528-2A>G

Gene: PKHD1 (PKHD1 ciliary IPT domain containing fibrocystin/polyductin; minus strand). Cytogenetic location: 6p12.2.
Variant type: single nucleotide variant.
Coding change: c.528-2A>G on transcript NM_138694.4 (MANE Select); the canonical splice acceptor site of the intron before coding-DNA position 528, A replaced by G.
Molecular consequence: splice acceptor variant.
Genome position (GRCh38, 1-based): chr6:52,072,191, T>C on the plus strand (A>G on the coding strand, the complement: PKHD1 is on the minus strand). VCF-style: chr6-52072191-T-C. GRCh37 (hg19) VCF-style: chr6-51936989-T-C.
Other names: c.528-2A>G (NM_170724.3).
Identifiers: ClinVar variation 1805285 (VCV001805285.5), dbSNP rs2533607755, ClinGen allele CA364435549.
Genomic context (GRCh38, chr6:52,072,191, plus strand): 5'-TATTTATAAGAGAGCAAGGAGTAACCCATTTGTCTCCTTGAGCTTCCAAGATCACTGGGC[T>C]GGATTTAAAAAAAAATGAAAACAAAAGACAAGAGATAATTGTGCAATACTCCCAATAAAC-3'

ClinVar aggregate classification (germline): Pathogenic/Likely pathogenic. Review status: criteria provided, multiple submitters, no conflicts (2 of 4 stars). 3 submissions from 3 submitters: Pathogenic (1); Likely pathogenic (2). Last evaluated 2025-09-12.

Conditions:
Autosomal recessive polycystic kidney disease (ARPKD). Also called: AR polycystic kidney disease. Identifiers: Orphanet 731, Orphanet 8378, MedGen C0085548, MeSH D017044, MONDO:0009889.
Polycystic kidney disease 4 (PKD4). Also called: PKD3; Autosomal Recessive Polycystic Kidney Disease – PKHD1; POLYCYSTIC KIDNEY AND HEPATIC DISEASE 1; POLYCYSTIC KIDNEY DISEASE, INFANTILE, TYPE I; POLYCYSTIC KIDNEY DISEASE 4 WITH OR WITHOUT POLYCYSTIC LIVER DISEASE. Identifiers: MedGen C4540575, MONDO:0033004, OMIM 263200.

Submissions (3):

Natera, Inc.
Classification: Likely pathogenic for Autosomal recessive polycystic kidney disease. Last evaluated: 2025-09-12. Review status: criteria provided, single submitter. Criteria: Natera Variant Classification Schema (03/2026). Collection method: clinical testing. Allele origin: germline.
Comment: The c.528-2A>G variant in PKHD1 is a canonical splice acceptor site variant predicted to affect pre-mRNA splicing, which may result in an abnormal transcript and altered protein product. This variant may result in a truncated or dysfunctional protein product. This variant is rare in the general population with a frequency below the threshold expected for the associated phenotype(s). This variant has been observed in one or more individuals affected with the associated recessive disease, as either homozygous or compound heterozygous with a second variant (PMID: 16133180, 38868576). Given the available evidence, this variant is classified as Likely Pathogenic.

Victorian Clinical Genetics Services, Murdoch Childrens Research Institute
Classification: Pathogenic for Polycystic kidney disease 4. Last evaluated: 2025-01-08. Review status: criteria provided, single submitter. Criteria: ACMG Guidelines, 2015. Collection method: clinical testing. Allele origin: germline.
Comment: This variant is classified as Pathogenic. Evidence in support of pathogenic classification: Canonical splice site variant without proven consequence on splicing (no functional evidence available); Variant is absent from gnomAD (v2, v3 and v4); This variant has limited previous evidence of pathogenicity in unrelated individual(s). This variant has been reported in two unrelated compound heterozygous individuals with polycystic kidney disease (PMID: 16133180, 38868576); Another splice site variant comparable to the one identified in this case has limited previous evidence for pathogenicity. c.528-1G>T has been classified as likely pathogenic by a clinical laboratory (ClinVar); Abnormal splicing is predicted by in silico tool(s) and affected nucleotide is highly conserved. Additional information: This variant is heterozygous; This gene is associated with autosomal recessive disease; however, there are emerging reports of heterozygous carriers of PKHD1 variants developing liver cysts and nephrocalcinosis (PMID: 21945273, 36691356); No segregation evidence has been identified for this variant; No published functional evidence has been identified for this variant; Loss of function is a known mechanism of disease in this gene and is associated with polycystic kidney disease 4, with or without hepatic disease (MIM#263200); Variants in this gene are known to have variable expressivity. Significant intrafamilial variability has been reported (PMID: 20301501).

Fulgent Genetics
Classification: Likely pathogenic for Polycystic kidney disease 4. Last evaluated: 2024-05-22. Review status: criteria provided, single submitter. Criteria: ACMG Guidelines, 2015. Collection method: clinical testing. Allele origin: germline.

Literature cited by the submitters: PubMed 16133180 (cited by Natera, Inc. and Victorian Clinical Genetics Services, Murdoch Childrens Research Institute); PubMed 38868576 (cited by Natera, Inc. and Victorian Clinical Genetics Services, Murdoch Childrens Research Institute); PubMed 36691356 (cited by Victorian Clinical Genetics Services, Murdoch Childrens Research Institute); PubMed 20301501 (cited by Victorian Clinical Genetics Services, Murdoch Childrens Research Institute); PubMed 21945273 (cited by Victorian Clinical Genetics Services, Murdoch Childrens Research Institute).